The following is an entry in ClinVar:

ClinVar aggregate classification (germline): Uncertain significance. Review status: criteria provided, multiple submitters, no conflicts (2 of 4 stars). 2 submissions from 2 submitters: Uncertain significance (2). Last evaluated 2025-03-24.

Conditions:
EMILIN-1-related connective tissue disease. Identifiers: Orphanet 485418, MedGen C5681244, MONDO:0044622.
Inborn genetic diseases. Identifiers: MedGen C0950123, MeSH D030342.

Allele frequency attached by ClinVar (database versions not stated): ESP Exome Variant Server 0.00023; gnomAD 0.00027 and 0.00029; TOPMed 0.00039.

Submissions (2):

Ambry Genetics
Classification: Uncertain significance for Inborn genetic diseases. Last evaluated: 2025-03-24. Review status: criteria provided, single submitter. Criteria: Ambry Variant Classification Scheme 2023. Collection method: clinical testing. Allele origin: germline.

CeGaT Center for Human Genetics Tuebingen
Classification: Uncertain significance. Last evaluated: 2025-01-01. Review status: criteria provided, single submitter. Criteria: CeGaT Center For Human Genetics Tuebingen Variant Classification Criteria Version 2. Collection method: clinical testing. Allele origin: germline. Affected: yes. Observed: 1 variant allele.

NM_007046.4(EMILIN1):c.1781G>A (p.Arg594His)

Gene: EMILIN1 (elastin microfibril interfacer 1; plus strand). Cytogenetic location: 2p23.3.
Variant type: single nucleotide variant.
Coding change: c.1781G>A on transcript NM_007046.4 (MANE Select); coding-DNA position 1781, G replaced by A.
Protein change: p.Arg594His; replaces arginine 594 with histidine.
Molecular consequence: missense variant.
Genome position (GRCh38, 1-based): chr2:27,083,352, G>A. VCF-style: chr2-27083352-G-A. GRCh37 (hg19) VCF-style: chr2-27306220-G-A.
Other names: short protein forms R594H.
Identifiers: ClinVar variation 1339836 (VCV001339836.17), dbSNP rs200339477, ClinGen allele CA1568795.